The following is an entry in ClinVar:

ClinVar aggregate classification (germline): Uncertain significance (1 of 4 stars; one submission).

Conditions:
Inborn genetic diseases. Identifiers: MedGen C0950123, MeSH D030342.

Submission:

Ambry Genetics
Classification: Uncertain significance for Inborn genetic diseases. Last evaluated: 2026-04-28. Review status: criteria provided, single submitter. Criteria: Ambry Variant Classification Scheme 2023. Collection method: clinical testing. Allele origin: germline.
Comment: The p.A549S variant (also known as c.1645G>T), located in coding exon 19 of the RTEL1 gene, results from a G to T substitution at nucleotide position 1645. The alanine at codon 549 is replaced by serine, an amino acid with similar properties. This amino acid position is conserved. In addition, this alteration is predicted to be tolerated by in silico analysis. Based on the available evidence, the clinical significance of this variant remains unclear.

NM_001283009.2(RTEL1):c.1645G>T (p.Ala549Ser)

Genes: RTEL1 (regulator of telomere elongation helicase 1; plus strand), RTEL1-TNFRSF6B (RTEL1-TNFRSF6B readthrough (NMD candidate); plus strand). Cytogenetic location: 20q13.33.
Variant type: single nucleotide variant.
Coding change: c.1645G>T on transcript NM_001283009.2 (MANE Select); coding-DNA position 1645, G replaced by T.
Protein change: p.Ala549Ser; replaces alanine 549 with serine.
Molecular consequence: missense variant. On other transcripts: non-coding transcript variant (1).
Genome position (GRCh38, 1-based): chr20:63,688,309, G>T. VCF-style: chr20-63688309-G-T. GRCh37 (hg19) VCF-style: chr20-62319662-G-T.
Other names: c.976G>T, p.Ala326Ser (NM_001283010.1); c.1645G>T, p.Ala549Ser (NM_016434.4); c.1717G>T, p.Ala573Ser (NM_032957.5); short protein forms A326S, A549S, A573S.
Identifiers: ClinVar variation 4863576 (VCV004863576.1).
Genomic context (GRCh38, chr20:63,688,309, plus strand): 5'-GAACCCTGCAGACATCCTGCCCCTGCCTTGACCCCGGCCCCTGCACTTCCAGGCAACATC[G>T]CCCGCGTGGTGCCCTATGGGCTCCTGATCTTCTTCCCTTCCTATCCTGTCATGGAGAAGA-3'
Protein context (NP_001269938.1, residues 539-559): SSLGKALGNI[Ala549Ser]RVVPYGLLIF